The following is an entry in ClinVar:

ClinVar aggregate classification (germline): Uncertain significance (1 of 4 stars; one submission).

Allele frequency attached by ClinVar (database versions not stated): TOPMed below 0.00001; gnomAD exomes 0.00001.
gnomAD v4.1: 12 of 1,614,110 alleles (0.00074%); highest among the groups gnomAD compares: Non-Finnish European, 0.001%; no homozygotes.

Submission:

Labcorp Genetics (formerly Invitae), Labcorp
Classification: Uncertain significance. Last evaluated: 2023-08-30. Review status: criteria provided, single submitter. Criteria: Invitae Variant Classification Sherloc (09022015). Collection method: clinical testing. Allele origin: germline.
Comment: In summary, the available evidence is currently insufficient to determine the role of this variant in disease. Therefore, it has been classified as a Variant of Uncertain Significance. Advanced modeling of protein sequence and biophysical properties (such as structural, functional, and spatial information, amino acid conservation, physicochemical variation, residue mobility, and thermodynamic stability) performed at Invitae indicates that this missense variant is not expected to disrupt REN protein function. This variant has not been reported in the literature in individuals affected with REN-related conditions. This variant is present in population databases (no rsID available, gnomAD 0.0009%). This sequence change replaces isoleucine, which is neutral and non-polar, with valine, which is neutral and non-polar, at codon 213 of the REN protein (p.Ile213Val).

NM_000537.4(REN):c.637A>G (p.Ile213Val)

Gene: REN (renin; minus strand). Cytogenetic location: 1q32.1.
Variant type: single nucleotide variant.
Coding change: c.637A>G on transcript NM_000537.4 (MANE Select); coding-DNA position 637, A replaced by G.
Protein change: p.Ile213Val; replaces isoleucine 213 with valine.
Molecular consequence: missense variant.
Genome position (GRCh38, 1-based): chr1:204,159,451, T>C on the plus strand (A>G on the coding strand, the complement: REN is on the minus strand). VCF-style: chr1-204159451-T-C. GRCh37 (hg19) VCF-style: chr1-204128579-T-C.
Other names: short protein forms I213V.
Identifiers: ClinVar variation 2999371 (VCV002999371.3), dbSNP rs1022198711, ClinGen allele CA35734553.